The following is an entry in ClinVar:

NM_000202.8(IDS):c.1143_1153dup (p.Asp385fs)

Genes: IDS (iduronate 2-sulfatase; minus strand), LOC106050102 (IDS recombination region; plus strand). Cytogenetic location: Xq28.
Variant type: Duplication.
Coding change: c.1143_1153dup on transcript NM_000202.8 (MANE Select); coding-DNA positions 1143 to 1153, 11 bases duplicated (CGACCCTTTTG).
Protein change: p.Asp385fs; shifts the reading frame from aspartic acid 385.
Molecular consequence: frameshift variant.
Genome position (GRCh38, 1-based): chrX:149,486,952-149,486,962, CAAAAGGGTCG duplicated on the plus strand (CGACCCTTTTG on the coding strand, the reverse complement: IDS is on the minus strand). VCF-style (leftmost placement, unchanged base first): chrX-149486951-T-TCAAAAGGGTCG. GRCh37 (hg19) VCF-style: chrX-148568482-T-TCAAAAGGGTCG.
Other names: c.873_883dup, p.Asp295fs (NM_001166550.4); short protein forms D295fs, D385fs.
Identifiers: ClinVar variation 3255975 (VCV003255975.2).
Genomic context (GRCh38, chrX:149,486,951, plus strand): 5'-CTGTCAAGCAATATCATTTCAGCATATTTTATACCTGGCTCCATCAACTGTGAGGCGGAA[T>TCAAAAGGGTCG]CAAAAGGGTCGAGGTAAGGGAAAAGCTTCTCGCCTGCCTCCGGAAGTGAAGCCGTCCTTC-3'

ClinVar aggregate classification (germline): Pathogenic (1 of 4 stars; one submission).

Conditions:
Mucopolysaccharidosis, MPS-II (MPS2). Also called: Hunter Syndrome; IDURONATE 2-SULFATASE DEFICIENCY; Mucopolysaccharidosis Type II; Mucopolysaccharidosis type 2; Attenuated MPS (subtype; formerly known as mild MPS II); Severe MPS II. Identifiers: Orphanet 580, Orphanet 79388, MedGen C0026705, MONDO:0010674, OMIM 309900.

Submission:

Laboratory of Diagnosis and Therapy of Lysosomal Disorders, University of Padova
Classification: Pathogenic for Mucopolysaccharidosis, MPS-II. Last evaluated: 2024-06-07. Review status: criteria provided, single submitter. Criteria: ACMG Guidelines, 2015. Collection method: literature only. Allele origin: germline. Affected: yes. Observed: 1 variant allele.
Comment: Null variant (PVS1_Strong), Absent from controls (or at low frequency) in gnomAD database (PM2_Moderate), Patient’s phenotype or family history highly specific for the disease (PP4_Strong)

Classification method: ACMG Guidelines [PMID:25741868] with modifications

Literature cited by the submitters: PubMed 33676511.